The following is an entry in ClinVar:

NM_144658.4(DOCK11):c.1201G>T (p.Ala401Ser)

Gene: DOCK11 (dedicator of cytokinesis 11; plus strand). Cytogenetic location: Xq24.
Variant type: single nucleotide variant.
Coding change: c.1201G>T on transcript NM_144658.4 (MANE Select); coding-DNA position 1201, G replaced by T.
Protein change: p.Ala401Ser; replaces alanine 401 with serine.
Molecular consequence: missense variant.
Genome position (GRCh38, 1-based): chrX:118,573,830, G>T. VCF-style: chrX-118573830-G-T. GRCh37 (hg19) VCF-style: chrX-117707793-G-T.
Other names: short protein forms A401S.
Identifiers: ClinVar variation 2636083 (VCV002636083.1), dbSNP rs148678126, ClinGen allele CA10498865.

ClinVar aggregate classification (germline): Uncertain significance (1 of 4 stars; one submission).

Conditions:
DOCK11-related disorder. Also called: DOCK11-related condition.

Allele frequency attached by ClinVar (database versions not stated): ExAC 0.00001; gnomAD exomes 0.00001; gnomAD 0.00002; ESP Exome Variant Server 0.00009.
gnomAD v4.1: 12 of 1,205,962 alleles (0.001%); highest among the groups gnomAD compares: Non-Finnish European, 0.0012%; no homozygotes.

Submission:

PreventionGenetics, part of Exact Sciences
Classification: Uncertain significance for DOCK11-related condition. Last evaluated: 2022-12-12. Review status: criteria provided, single submitter. Criteria: ACMG Guidelines, 2015. Collection method: clinical testing. Allele origin: germline.
Comment: The DOCK11 c.1201G>T variant is predicted to result in the amino acid substitution p.Ala401Ser. To our knowledge, this variant has not been reported in the literature. This variant is reported in 0.0012% of alleles in individuals of European (Non-Finnish) descent in gnomAD. At this time, the clinical significance of this variant is uncertain due to the absence of conclusive functional and genetic evidence.